The following is an entry in ClinVar:

NM_003803.4(MYOM1):c.3347G>A (p.Arg1116Gln)

Gene: MYOM1 (myomesin 1; minus strand). Cytogenetic location: 18p11.31.
Variant type: single nucleotide variant.
Coding change: c.3347G>A on transcript NM_003803.4 (MANE Select); coding-DNA position 3347, G replaced by A.
Protein change: p.Arg1116Gln; replaces arginine 1116 with glutamine.
Molecular consequence: missense variant.
Genome position (GRCh38, 1-based): chr18:3,112,369, C>T on the plus strand (G>A on the coding strand, the complement: MYOM1 is on the minus strand). VCF-style: chr18-3112369-C-T. GRCh37 (hg19) VCF-style: chr18-3112367-C-T.
Other names: c.3059G>A, p.Arg1020Gln (NM_019856.2); short protein forms R1020Q, R1116Q.
Identifiers: ClinVar variation 3004678 (VCV003004678.4), dbSNP rs778322446, ClinGen allele CA8874326.

ClinVar aggregate classification (germline): Uncertain significance. Review status: criteria provided, multiple submitters, no conflicts (2 of 4 stars). 2 submissions from 2 submitters: Uncertain significance (2). Last evaluated 2026-02-13.

Conditions:
Hypertrophic cardiomyopathy. Also called: HYPERTROPHIC MYOCARDIOPATHY. Identifiers: Orphanet 217569, MedGen C0007194, MeSH D002312, MONDO:0005045, HP:0001639.

Allele frequency attached by ClinVar (database versions not stated): ExAC 0.00002; gnomAD 0.00001.
gnomAD v4.1: 108 of 1,611,922 alleles (0.0067%); highest among the groups gnomAD compares: Non-Finnish European, 0.0087%; no homozygotes.

Submissions (2):

Ambry Genetics
Classification: Uncertain significance. Last evaluated: 2026-02-13. Review status: criteria provided, single submitter. Criteria: Ambry Variant Classification Scheme 2023. Collection method: clinical testing. Allele origin: germline.
Comment: The p.R1116Q variant (also known as c.3347G>A), located in coding exon 21 of the MYOM1 gene, results from a G to A substitution at nucleotide position 3347. The arginine at codon 1116 is replaced by glutamine, an amino acid with highly similar properties. This amino acid position is conserved. In addition, this alteration is predicted to be deleterious by in silico analysis. Based on the available evidence, the clinical significance of this variant remains unclear.

Labcorp Genetics (formerly Invitae), Labcorp
Classification: Uncertain significance for Hypertrophic cardiomyopathy. Last evaluated: 2025-12-09. Review status: criteria provided, single submitter. Criteria: Invitae Variant Classification Sherloc (09022015). Collection method: clinical testing. Allele origin: germline.
Comment: This sequence change replaces arginine, which is basic and polar, with glutamine, which is neutral and polar, at codon 1116 of the MYOM1 protein (p.Arg1116Gln). This variant is present in population databases (rs778322446, gnomAD 0.006%). This variant has not been reported in the literature in individuals affected with MYOM1-related conditions. ClinVar contains an entry for this variant (Variation ID: 3004678). Invitae Evidence Modeling of protein sequence and biophysical properties (such as structural, functional, and spatial information, amino acid conservation, physicochemical variation, residue mobility, and thermodynamic stability) has been performed for this missense variant. However, the output from this modeling did not meet the statistical confidence thresholds required to predict the impact of this variant on MYOM1 protein function. In summary, the available evidence is currently insufficient to determine the role of this variant in disease. Therefore, it has been classified as a Variant of Uncertain Significance.